The following is an entry in ClinVar:

ClinVar aggregate classification (germline): Conflicting classifications of pathogenicity. Review status: criteria provided, conflicting classifications (1 of 4 stars). 4 submissions from 4 submitters: Uncertain significance (1); Likely benign (1). 2 of the submissions do not count toward it. Last evaluated 2024-03-14.

Conditions:
PKHD1-related disorder. Also called: PKHD1-related condition.
Autosomal recessive polycystic kidney disease (ARPKD). Also called: AR polycystic kidney disease. Identifiers: Orphanet 731, Orphanet 8378, MedGen C0085548, MeSH D017044, MONDO:0009889.

Allele frequency attached by ClinVar (database versions not stated): gnomAD 0.00001; TOPMed 0.00001.
gnomAD v4.1: 1 of 1,613,496 alleles (0.000062%); highest among the groups gnomAD compares: Admixed American, 0.0017%; no homozygotes.

Submissions (4):

Labcorp Genetics (formerly Invitae), Labcorp
Classification: Likely benign for Autosomal recessive polycystic kidney disease. Last evaluated: 2024-03-14. Review status: criteria provided, single submitter. Criteria: Invitae Variant Classification Sherloc (09022015). Collection method: clinical testing. Allele origin: germline.

Eurofins Ntd Llc (ga)
Classification: Uncertain significance. Last evaluated: 2018-07-24. Review status: criteria provided, single submitter. Criteria: EGL ClinVar v180209 classification definitions. Collection method: clinical testing. Allele origin: germline. Observed: 1 variant allele, 1 heterozygote.

PreventionGenetics, part of Exact Sciences
Classification: Likely benign for PKHD1-related condition. Last evaluated: 2023-12-27. Review status: no assertion criteria provided. Collection method: clinical testing. Allele origin: germline. Not counted in ClinVar's aggregate classification.
Comment: This variant is classified as likely benign based on ACMG/AMP sequence variant interpretation guidelines (Richards et al. 2015 PMID: 25741868, with internal and published modifications).

Natera, Inc.
Classification: Uncertain significance for Autosomal recessive polycystic kidney disease. Last evaluated: 2020-09-16. Review status: no assertion criteria provided. Collection method: clinical testing. Allele origin: germline. Not counted in ClinVar's aggregate classification.

NM_138694.4(PKHD1):c.2697T>A (p.Thr899=)

Gene: PKHD1 (PKHD1 ciliary IPT domain containing fibrocystin/polyductin; minus strand). Cytogenetic location: 6p12.2.
Variant type: single nucleotide variant.
Coding change: c.2697T>A on transcript NM_138694.4 (MANE Select); coding-DNA position 2697, T replaced by A.
Protein change: p.Thr899=; no amino-acid change (threonine 899 retained).
Molecular consequence: synonymous variant.
Genome position (GRCh38, 1-based): chr6:52,044,984, A>T on the plus strand (T>A on the coding strand, the complement: PKHD1 is on the minus strand). VCF-style: chr6-52044984-A-T. GRCh37 (hg19) VCF-style: chr6-51909782-A-T.
Other names: c.2697T>A, p.Thr899= (NM_170724.3).
Identifiers: ClinVar variation 598137 (VCV000598137.13), dbSNP rs1562217633, ClinGen allele CA450420402.
Genomic context (GRCh38, chr6:52,044,984, plus strand): 5'-TGAAACTGGAGCTTGCACTTAGGGTGGCCCATTCACTCTCACCTGAGTATGCTGGTTGGC[A>T]GTAGCCAACATGTCTCCAAATATGGGTCCAAGAAAAACTCCACCATCATATACCACACGC-3'
Protein context (NP_619639.3, residues 889-909): LGPIFGDMLA[Thr899=]ANQHTQVVVR